The following is an entry in ClinVar:

NM_001353345.2(SETD1B):c.20C>T (p.Pro7Leu)

Gene: SETD1B (SET domain containing 1B, histone lysine methyltransferase; plus strand). Cytogenetic location: 12q24.31.
Variant type: single nucleotide variant.
Coding change: c.20C>T on transcript NM_001353345.2 (MANE Select); coding-DNA position 20, C replaced by T.
Protein change: p.Pro7Leu; replaces proline 7 with leucine.
Molecular consequence: missense variant.
Genome position (GRCh38, 1-based): chr12:121,804,757, C>T. VCF-style: chr12-121804757-C-T. GRCh37 (hg19) VCF-style: chr12-122242663-C-T.
Other names: short protein forms P7L.
Identifiers: ClinVar variation 1698972 (VCV001698972.3), dbSNP rs1052521826, ClinGen allele CA386986791.

ClinVar aggregate classification (germline): Uncertain significance (1 of 4 stars; one submission).

Conditions:
Intellectual developmental disorder with seizures and language delay (IDDSELD). Identifiers: MedGen C5436574, MONDO:0033559, OMIM 619000.

gnomAD v4.1: 2 of 1,549,756 alleles (0.00013%); highest among the groups gnomAD compares: African/African-American, 0.0014%; no homozygotes.

Submission:

Victorian Clinical Genetics Services, Murdoch Childrens Research Institute
Classification: Uncertain significance for Intellectual developmental disorder with seizures and language delay. Last evaluated: 2021-05-06. Review status: criteria provided, single submitter. Criteria: ACMG Guidelines, 2015. Collection method: clinical testing. Allele origin: germline. Inheritance: Autosomal dominant inheritance. Affected: yes.
Comment: Based on the classification scheme VCGS_Germline_v1.3.4, this variant is classified as VUS-3B. Following criteria are met: 0102 - Loss of function is a known mechanism of disease in this gene and is associated with SETD1B-related neurological disorder. (I) 0107 - This gene is associated with autosomal dominant disease. (I) 0200 - Variant is predicted to result in a missense amino acid change from proline to leucine. (I) 0251 - This variant is heterozygous. (I) 0301 - Variant is absent from gnomAD (both v2 and v3). (SP) 0309 - An alternative amino acid change at the same position has been observed in gnomAD (v2) (p.(Pro7His): 3 heterozygotes, 0 homozygotes). (I) 0502 - Missense variant with conflicting in silico predictions and uninformative conservation. (I) 0604 - Variant is not located in an established domain, motif, hotspot or informative constraint region. (I) 0705 - No comparable missense variants have previous evidence for pathogenicity. (I) 0807 - This variant has no previous evidence of pathogenicity. (I) 0905 - No published segregation evidence has been identified for this variant. (I) 1007 - No published functional evidence has been identified for this variant. (I) 1208 - Inheritance information for this variant is not currently available in this individual. (I) Legend: (SP) - Supporting pathogenic, (I) - Information, (SB) - Supporting benign